The following is an entry in ClinVar:

NM_004656.4(BAP1):c.1645G>A (p.Ala549Thr)

Gene: BAP1 (BRCA1 associated deubiquitinase 1; minus strand). Cytogenetic location: 3p21.1.
Variant type: single nucleotide variant.
Coding change: c.1645G>A on transcript NM_004656.4 (MANE Select); coding-DNA position 1645, G replaced by A.
Protein change: p.Ala549Thr; replaces alanine 549 with threonine.
Molecular consequence: missense variant.
Genome position (GRCh38, 1-based): chr3:52,403,500, C>T on the plus strand (G>A on the coding strand, the complement: BAP1 is on the minus strand). VCF-style: chr3-52403500-C-T. GRCh37 (hg19) VCF-style: chr3-52437516-C-T.
Other names: short protein forms A549T.
Identifiers: ClinVar variation 1057670 (VCV001057670.5), dbSNP rs2153226620, ClinGen allele CA353100103.

ClinVar aggregate classification (germline): Uncertain significance (1 of 4 stars; one submission).

Conditions:
BAP1-related tumor predisposition syndrome (TPDS1). Also called: COMMON Syndrome; TUMOR PREDISPOSITION SYNDROME 1; BAP1 tumor predisposition syndrome; Tumor susceptibility linked to germline BAP1 mutations. Identifiers: Orphanet 289539, MedGen C3280492, MONDO:0013692, OMIM 614327.

gnomAD v4.1: 1 of 1,614,022 alleles (0.000062%); highest among the groups gnomAD compares: Non-Finnish European, 0.000085%; no homozygotes.

Submission:

Labcorp Genetics (formerly Invitae), Labcorp
Classification: Uncertain significance for BAP1-related tumor predisposition syndrome. Last evaluated: 2020-08-20. Review status: criteria provided, single submitter. Criteria: Invitae Variant Classification Sherloc (09022015). Collection method: clinical testing. Allele origin: germline.
Comment: This variant is not present in population databases (ExAC no frequency). This variant has not been reported in the literature in individuals with BAP1-related conditions. Algorithms developed to predict the effect of missense changes on protein structure and function are either unavailable or do not agree on the potential impact of this missense change (SIFT: "Deleterious"; PolyPhen-2: "Benign"; Align-GVGD: "Class C0"). In summary, the available evidence is currently insufficient to determine the role of this variant in disease. Therefore, it has been classified as a Variant of Uncertain Significance. This sequence change replaces alanine with threonine at codon 549 of the BAP1 protein (p.Ala549Thr). The alanine residue is highly conserved and there is a small physicochemical difference between alanine and threonine.